The following is an entry in ClinVar:

NM_005744.5(ARIH1):c.252_260dup (p.Gly88_Gly90dup)

Gene: ARIH1 (ariadne RBR E3 ubiquitin protein ligase 1; plus strand). Cytogenetic location: 15q24.1.
Variant type: Duplication.
Coding change: c.252_260dup on transcript NM_005744.5 (MANE Select); coding-DNA positions 252 to 260, 9 bases duplicated (CGGCGGTGG; older notation c.252_260dupCGGCGGTGG).
Protein change: p.Gly88_Gly90dup.
Molecular consequence: inframe insertion.
Genome position (GRCh38, 1-based): chr15:72,474,891-72,474,899, CGGCGGTGG duplicated; duplicating any 9 consecutive bases within chr15:72,474,889-72,474,899 gives the same sequence; the c. name uses the placement nearest the transcript's 3' end. VCF-style (leftmost placement, unchanged base first): chr15-72474888-C-CGGCGGCGGT. GRCh37 (hg19) VCF-style: chr15-72767229-C-CGGCGGCGGT.
Identifiers: ClinVar variation 1499817 (VCV001499817.8), dbSNP rs1182579403, ClinGen allele CA715484005.

ClinVar aggregate classification (germline): Uncertain significance (1 of 4 stars; one submission).

Submission:

Labcorp Genetics (formerly Invitae), Labcorp
Classification: Uncertain significance. Last evaluated: 2025-12-08. Review status: criteria provided, single submitter. Criteria: Invitae Variant Classification Sherloc (09022015). Collection method: clinical testing. Allele origin: germline.
Comment: This variant, c.252_260dup, results in the insertion of 3 amino acid(s) of the ARIH1 protein (p.Gly88_Gly90dup), but otherwise preserves the integrity of the reading frame. This variant is not present in population databases (gnomAD no frequency). This variant has not been reported in the literature in individuals affected with ARIH1-related conditions. ClinVar contains an entry for this variant (Variation ID: 1499817). Experimental studies and prediction algorithms are not available or were not evaluated, and the functional significance of this variant is currently unknown. In summary, the available evidence is currently insufficient to determine the role of this variant in disease. Therefore, it has been classified as a Variant of Uncertain Significance.